The following is an entry in ClinVar:

NM_001099771.2(POTEF):c.3141C>T (p.Ala1047=)

Gene: POTEF (POTE ankyrin domain family member F; minus strand). Cytogenetic location: 2q21.1.
Variant type: single nucleotide variant.
Coding change: c.3141C>T on transcript NM_001099771.2 (MANE Select); coding-DNA position 3141, C replaced by T.
Protein change: p.Ala1047=; no amino-acid change (alanine 1047 retained).
Molecular consequence: synonymous variant.
Genome position (GRCh38, 1-based): chr2:130,074,331, G>A on the plus strand (C>T on the coding strand, the complement: POTEF is on the minus strand). VCF-style: chr2-130074331-G-A. GRCh37 (hg19) VCF-style: chr2-130831904-G-A.
Identifiers: ClinVar variation 2651348 (VCV002651348.24), dbSNP rs201147063, ClinGen allele CA1867934.

ClinVar aggregate classification (germline): Benign (1 of 4 stars; one submission).

Allele frequency attached by ClinVar (database versions not stated): 1000 Genomes Project 30x 0.00359; 1000 Genomes Project 0.00419; gnomAD 0.00652; ExAC 0.01872.

Submission:

CeGaT Center for Human Genetics Tuebingen
Classification: Benign. Last evaluated: 2022-12-01. Review status: criteria provided, single submitter. Criteria: CeGaT Center For Human Genetics Tuebingen Variant Classification Criteria Version 2. Collection method: clinical testing. Allele origin: germline. Affected: yes. Observed: 2 variant alleles.
Comment: POTEF: BP4, BS1, BS2